The following is an entry in ClinVar:

NM_001277115.2(DNAH11):c.1084G>C (p.Ala362Pro)

Gene: DNAH11 (dynein axonemal heavy chain 11; plus strand). Cytogenetic location: 7p15.3.
Variant type: single nucleotide variant.
Coding change: c.1084G>C on transcript NM_001277115.2 (MANE Select); coding-DNA position 1084, G replaced by C.
Protein change: p.Ala362Pro; replaces alanine 362 with proline.
Molecular consequence: missense variant.
Genome position (GRCh38, 1-based): chr7:21,564,287, G>C. VCF-style: chr7-21564287-G-C. GRCh37 (hg19) VCF-style: chr7-21603905-G-C.
Other names: short protein forms A362P.
Identifiers: ClinVar variation 568483 (VCV000568483.13), dbSNP rs771256529, ClinGen allele CA366933812.

ClinVar aggregate classification (germline): Conflicting classifications of pathogenicity. Review status: criteria provided, conflicting classifications (1 of 4 stars). 2 submissions from 2 submitters: Uncertain significance (1); Likely benign (1). Last evaluated 2024-10-08.

Conditions:
Primary ciliary dyskinesia. Also called: Ciliary dyskinesia. Identifiers: Orphanet 244, MedGen C0008780, MONDO:0016575, HP:0012265.

gnomAD v4.1: 2 of 1,613,446 alleles (0.00012%); highest among the groups gnomAD compares: Non-Finnish European, 0.00017%; no homozygotes.

Submissions (2):

Labcorp Genetics (formerly Invitae), Labcorp
Classification: Likely benign for Primary ciliary dyskinesia. Last evaluated: 2024-10-08. Review status: criteria provided, single submitter. Criteria: Invitae Variant Classification Sherloc (09022015). Collection method: clinical testing. Allele origin: germline.

Ambry Genetics
Classification: Uncertain significance for Primary ciliary dyskinesia. Last evaluated: 2017-02-07. Review status: criteria provided, single submitter. Criteria: Ambry Variant Classification Scheme 2023. Collection method: clinical testing. Allele origin: germline.
Comment: The p.A362P variant (also known as c.1084G>C), located in coding exon 6 of the DNAH11 gene, results from a G to C substitution at nucleotide position 1084. The alanine at codon 362 is replaced by proline, an amino acid with highly similar properties. This amino acid position is poorly conserved in available vertebrate species. In addition, this alteration is predicted to be tolerated by in silico analysis. Since supporting evidence is limited at this time, the clinical significance of this alteration remains unclear.